The following is an entry in ClinVar:

NM_003151.4(STAT4):c.1252-2del

Gene: STAT4 (signal transducer and activator of transcription 4; minus strand). Cytogenetic location: 2q32.2.
Variant type: Deletion.
Coding change: c.1252-2del on transcript NM_003151.4 (MANE Select); the canonical splice acceptor site of the intron before coding-DNA position 1252, one base deleted (A; older notation c.1252-2delA).
Molecular consequence: splice acceptor variant.
Genome position (GRCh38, 1-based): chr2:191,041,150, T deleted on the plus strand (A on the coding strand, the reverse complement: STAT4 is on the minus strand). VCF-style (leftmost placement, unchanged base first): chr2-191041149-CT-C. GRCh37 (hg19) VCF-style: chr2-191905875-CT-C.
Other names: c.1252-2del (NM_001243835.2).
Identifiers: ClinVar variation 4823513 (VCV004823513.4).
Genomic context (GRCh38, chr2:191,041,149, plus strand): 5'-GAGGCAGATCTGTGTTTCAAACGTTATGGAATGAAGTTCTTCAGTCACCATGTGACAGCC[CT>C]AAGGAAGAGAGAAATAAATTGTTACCTCACAAATGCATACTCACTATCTAATAGAAGACT-3'

ClinVar aggregate classification (germline): Uncertain significance (1 of 4 stars; one submission).

Submission:

CeGaT Center for Human Genetics Tuebingen
Classification: Uncertain significance. Last evaluated: 2026-03-01. Review status: criteria provided, single submitter. Criteria: CeGaT Center For Human Genetics Tuebingen Variant Classification Criteria Version 2. Collection method: clinical testing. Allele origin: germline. Affected: yes. Observed: 1 variant allele.
Comment: STAT4: PM2